The following is an entry in ClinVar:

ClinVar aggregate classification (germline): Conflicting classifications of pathogenicity. Review status: criteria provided, conflicting classifications (1 of 4 stars). 4 submissions from 4 submitters: Uncertain significance (1); Likely benign (3). Last evaluated 2026-01-24.

Conditions:
Vanishing white matter disease. Also called: CACH syndrome; Childhood ataxia with diffuse central nervous system hypomyelination; Leukoencephalopathy with vanishing white matter; CACH/VWM syndrome; Cree leukoencehalopathy. Identifiers: Orphanet 135, Orphanet 99853, MedGen C1858991, MONDO:0800448.

Allele frequency attached by ClinVar (database versions not stated): gnomAD 0.00004; gnomAD exomes 0.00009 and 0.00012; TOPMed 0.00009; ExAC 0.00013.

Submissions (4):

Labcorp Genetics (formerly Invitae), Labcorp
Classification: Likely benign. Last evaluated: 2026-01-24. Review status: criteria provided, single submitter. Criteria: Invitae Variant Classification Sherloc (09022015). Collection method: clinical testing. Allele origin: germline.

Women's Health and Genetics/Laboratory Corporation of America, LabCorp
Classification: Likely benign. Last evaluated: 2025-04-18. Review status: criteria provided, single submitter. Criteria: LabCorp Variant Classification Summary - May 2015. Collection method: clinical testing. Allele origin: germline.
Comment: Variant summary: EIF2B5 c.1325C>T (p.Thr442Met) results in a non-conservative amino acid change in the encoded protein sequence. Three of five in-silico tools predict a benign effect of the variant on protein function. The variant allele was found at a frequency of 0.00012 in 251136 control chromosomes, predominantly at a frequency of 0.0011 within the East Asian subpopulation in the gnomAD database. The observed variant frequency within East Asian control individuals in the gnomAD database is approximately 1-fold of the estimated maximal expected allele frequency for a pathogenic variant in EIF2B5 causing Leukoencephalopathy With Vanishing White Matter phenotype (0.00091). To our knowledge, no occurrence of c.1325C>T in individuals affected with Leukoencephalopathy With Vanishing White Matter and no experimental evidence demonstrating its impact on protein function have been reported. ClinVar contains an entry for this variant (Variation ID: 1199345). Based on the evidence outlined above, the variant was classified as likely benign.

Blueprint Genetics
Classification: Likely benign. Last evaluated: 2023-08-02. Review status: criteria provided, single submitter. Criteria: ACMG Guidelines, 2015. Collection method: clinical testing. Allele origin: germline.

Genome-Nilou Lab
Classification: Uncertain significance for Leukoencephalopathy with vanishing white matter 1. Last evaluated: 2021-07-14. Review status: criteria provided, single submitter. Criteria: ACMG Guidelines, 2015. Collection method: clinical testing. Allele origin: germline. Affected: no.

NM_003907.3(EIF2B5):c.1325C>T (p.Thr442Met)

Gene: EIF2B5 (eukaryotic translation initiation factor 2B subunit epsilon; plus strand). Cytogenetic location: 3q27.1.
Variant type: single nucleotide variant.
Coding change: c.1325C>T on transcript NM_003907.3 (MANE Select); coding-DNA position 1325, C replaced by T.
Protein change: p.Thr442Met; replaces threonine 442 with methionine.
Molecular consequence: missense variant.
Genome position (GRCh38, 1-based): chr3:184,142,259, C>T. VCF-style: chr3-184142259-C-T. GRCh37 (hg19) VCF-style: chr3-183860047-C-T.
Other names: short protein forms T442M.
Identifiers: ClinVar variation 1199345 (VCV001199345.14), dbSNP rs777685963, ClinGen allele CA2726658.